The following is an entry in ClinVar:

ClinVar aggregate classification (germline): Uncertain significance (1 of 4 stars; one submission).

Submission:

GeneDx
Classification: Uncertain significance. Last evaluated: 2025-02-14. Review status: criteria provided, single submitter. Criteria: GeneDx Variant Classification Process June 2021. Collection method: clinical testing. Allele origin: germline. Affected: yes.
Comment: Not observed at significant frequency in large population cohorts (gnomAD); In silico analysis indicates that this missense variant does not alter protein structure/function; Has not been previously published as pathogenic or benign to our knowledge

NM_015057.5(MYCBP2):c.11522G>C (p.Ser3841Thr)

Genes: MYCBP2 (MYC binding protein 2; minus strand), MYCBP2-AS1 (MYCBP2 antisense RNA 1; plus strand). Cytogenetic location: 13q22.3.
Variant type: single nucleotide variant.
Coding change: c.11522G>C on transcript NM_015057.5 (MANE Select); coding-DNA position 11522, G replaced by C.
Protein change: p.Ser3841Thr; replaces serine 3841 with threonine.
Molecular consequence: missense variant.
Genome position (GRCh38, 1-based): chr13:77,077,350, C>G on the plus strand (G>C on the coding strand, the complement: MYCBP2 is on the minus strand). VCF-style: chr13-77077350-C-G. GRCh37 (hg19) VCF-style: chr13-77651485-C-G.
Other names: short protein forms S3841T.
Identifiers: ClinVar variation 4076685 (VCV004076685.1).
Genomic context (GRCh38, chr13:77,077,350, plus strand): 5'-GTATTTTCTGGGCCTTTTAATTCAATTTTTATGATGTGATTATCCCCTCCTGGAAGTTCA[C>G]TTGTTACCCAGCCAATGTGCCTGGAATCCAGATCAACCTGGTTGAGTAGAAAAGAGGCAG-3'
Protein context (NP_055872.4, residues 3831-3851): LDSRHIGWVT[Ser3841Thr]ELPGGDNHII